The following is an entry in ClinVar:

ClinVar aggregate classification (germline): Uncertain significance (1 of 4 stars; one submission).

Conditions:
KDM6B-related disorder. Also called: KDM6B-related condition.

Submission:

PreventionGenetics, part of Exact Sciences
Classification: Uncertain significance for KDM6B-related condition. Last evaluated: 2026-06-03. Review status: criteria provided, single submitter. Criteria: ACMG Guidelines, 2015. Collection method: clinical testing. Allele origin: germline.
Comment: The KDM6B c.648_662delinsGGC variant is predicted to result in an in-frame deletion and insertion. To our knowledge, this variant has not been reported in the literature or in a large population database (gnomAD), indicating this variant is rare. At this time, the clinical significance of this variant is uncertain due to the absence of conclusive functional and genetic evidence.

NM_001348716.2(KDM6B):c.648_662delinsGGC (p.Pro217_Glu221delinsAla)

Gene: KDM6B (lysine demethylase 6B; plus strand). Cytogenetic location: 17p13.1.
Variant type: Indel.
Coding change: c.648_662delinsGGC on transcript NM_001348716.2 (MANE Select); coding-DNA positions 648 to 662, CCCCTCAGGGGAGGA replaced by GGC.
Protein change: p.Pro217_Glu221delinsAla.
Molecular consequence: inframe indel.
Genome position (GRCh38, 1-based): chr17:7,846,677-7,846,691, CCCCTCAGGGGAGGA replaced by GGC. VCF-style: chr17-7846677-CCCCTCAGGGGAGGA-GGC. GRCh37 (hg19) VCF-style: chr17-7749995-CCCCTCAGGGGAGGA-GGC.
Other names: c.648_662delinsGGC, p.Pro217_Glu221delinsAla (NM_001080424.2).
Identifiers: ClinVar variation 4996236 (VCV004996236.1).